The following is an entry in ClinVar:

ClinVar aggregate classification (germline): Uncertain significance (1 of 4 stars; one submission).

Conditions:
Primary open angle glaucoma (POAG). Also called: OPTN-related open angle glaucoma. Identifiers: MedGen C0339573, MONDO:0100553, OMIM 137760.
Amyotrophic lateral sclerosis type 12 (ALS12). Also called: AMYOTROPHIC LATERAL SCLEROSIS 12 WITH OR WITHOUT FRONTOTEMPORAL DEMENTIA. Identifiers: Orphanet 803, MedGen C3150692, MONDO:0013264, OMIM 613435.
Glaucoma 1, open angle, E. Identifiers: MedGen C1842026, MONDO:0007665.

Allele frequency attached by ClinVar (database versions not stated): gnomAD 0.00001; gnomAD exomes 0.00001; TOPMed 0.00001; ExAC 0.00004.

Submission:

Labcorp Genetics (formerly Invitae), Labcorp
Classification: Uncertain significance for Primary open angle glaucoma; Glaucoma 1, open angle, E; Amyotrophic lateral sclerosis type 12. Last evaluated: 2025-07-29. Review status: criteria provided, single submitter. Criteria: Invitae Variant Classification Sherloc (09022015). Collection method: clinical testing. Allele origin: germline.
Comment: This sequence change replaces arginine, which is basic and polar, with cysteine, which is neutral and slightly polar, at codon 520 of the OPTN protein (p.Arg520Cys). This variant is present in population databases (rs755873234, gnomAD 0.01%). This variant has not been reported in the literature in individuals affected with OPTN-related conditions. ClinVar contains an entry for this variant (Variation ID: 2921968). Invitae Evidence Modeling of protein sequence and biophysical properties (such as structural, functional, and spatial information, amino acid conservation, physicochemical variation, residue mobility, and thermodynamic stability) indicates that this missense variant is expected to disrupt OPTN protein function with a positive predictive value of 80%. In summary, the available evidence is currently insufficient to determine the role of this variant in disease. Therefore, it has been classified as a Variant of Uncertain Significance.

NM_001008212.2(OPTN):c.1558C>T (p.Arg520Cys)

Gene: OPTN (optineurin; plus strand). Cytogenetic location: 10p13.
Variant type: single nucleotide variant.
Coding change: c.1558C>T on transcript NM_001008212.2 (MANE Select); coding-DNA position 1558, C replaced by T.
Protein change: p.Arg520Cys; replaces arginine 520 with cysteine.
Molecular consequence: missense variant.
Genome position (GRCh38, 1-based): chr10:13,133,527, C>T. VCF-style: chr10-13133527-C-T. GRCh37 (hg19) VCF-style: chr10-13175527-C-T.
Other names: c.1558C>T, p.Arg520Cys (NM_001008211.1, NM_001008213.1, NM_021980.4); short protein forms R520C.
Identifiers: ClinVar variation 2921968 (VCV002921968.3), dbSNP rs755873234, ClinGen allele CA5411015.